The following is an entry in ClinVar:

NM_000492.4(CFTR):c.1584+70G>A

Genes: CFTR-AS1 (CFTR antisense RNA 1; minus strand), CFTR (CF transmembrane conductance regulator; plus strand). Cytogenetic location: 7q31.2.
Variant type: single nucleotide variant.
Coding change: c.1584+70G>A on transcript NM_000492.4 (MANE Select); 70 bases into the intron after coding-DNA position 1584, G replaced by A.
Molecular consequence: intron variant.
Genome position (GRCh38, 1-based): chr7:117,559,725, G>A. VCF-style: chr7-117559725-G-A. GRCh37 (hg19) VCF-style: chr7-117199779-G-A.
Identifiers: ClinVar variation 3046689 (VCV003046689.2), dbSNP rs2485066201, ClinGen allele CA2740097506.

ClinVar aggregate classification (germline): Likely benign (0 of 4 stars; one submission).

Conditions:
CFTR-related disorder (CFTR-RD). Also called: CFTR-related condition; CFTR-related disorders. Identifiers: MedGen C5924204, MONDO:7770004.

Submission:

PreventionGenetics, part of Exact Sciences
Classification: Likely benign for CFTR-related condition. Last evaluated: 2023-06-28. Review status: no assertion criteria provided. Collection method: clinical testing. Allele origin: germline.
Comment: This variant is classified as likely benign based on ACMG/AMP sequence variant interpretation guidelines (Richards et al. 2015 PMID: 25741868, with internal and published modifications).